The following is an entry in ClinVar:

ClinVar aggregate classification (germline): Conflicting classifications of pathogenicity. Review status: criteria provided, conflicting classifications (1 of 4 stars). 6 submissions from 6 submitters: Uncertain significance (5); Likely benign (1). Last evaluated 2026-01-07.

Conditions:
Aortic aneurysm, familial thoracic 7 (AAT7). Also called: AORTIC DISSECTION, FAMILIAL, WITH OR WITHOUT AORTIC ANEURYSM. Identifiers: MedGen C3151077, MONDO:0013418, OMIM 613780.
Familial thoracic aortic aneurysm and aortic dissection (TAAD). Also called: Thoracic aortic aneurysms and dissections. Identifiers: Orphanet 91387, MedGen C4707243, MONDO:0019625.

Allele frequency attached by ClinVar (database versions not stated): ESP Exome Variant Server 0.00008; TOPMed 0.00011; gnomAD 0.00012 and 0.00013.
gnomAD v4.1: 115 of 1,613,984 alleles (0.0071%); highest among the groups gnomAD compares: Middle Eastern, 0.016%; no homozygotes.

Submissions (6):

Labcorp Genetics (formerly Invitae), Labcorp
Classification: Uncertain significance for Aortic aneurysm, familial thoracic 7. Last evaluated: 2026-01-07. Review status: criteria provided, single submitter. Criteria: Invitae Variant Classification Sherloc (09022015). Collection method: clinical testing. Allele origin: germline.
Comment: This sequence change replaces valine, which is neutral and non-polar, with methionine, which is neutral and non-polar, at codon 877 of the MYLK protein (p.Val877Met). This variant is present in population databases (rs34542174, gnomAD 0.02%). This variant has not been reported in the literature in individuals affected with MYLK-related conditions. ClinVar contains an entry for this variant (Variation ID: 284753). Invitae Evidence Modeling of protein sequence and biophysical properties (such as structural, functional, and spatial information, amino acid conservation, physicochemical variation, residue mobility, and thermodynamic stability) indicates that this missense variant is not expected to disrupt MYLK protein function with a negative predictive value of 80%. In summary, the available evidence is currently insufficient to determine the role of this variant in disease. Therefore, it has been classified as a Variant of Uncertain Significance.

Ambry Genetics
Classification: Uncertain significance for Familial thoracic aortic aneurysm and aortic dissection. Last evaluated: 2024-11-05. Review status: criteria provided, single submitter. Criteria: Ambry Variant Classification Scheme 2023. Collection method: clinical testing. Allele origin: germline.
Comment: The p.V877M variant (also known as c.2629G>A), located in coding exon 15 of the MYLK gene, results from a G to A substitution at nucleotide position 2629. The valine at codon 877 is replaced by methionine, an amino acid with highly similar properties. This amino acid position is well conserved in available vertebrate species. In addition, the in silico prediction for this alteration is inconclusive. Since supporting evidence is limited at this time, the clinical significance of this alteration remains unclear.

GeneDx
Classification: Uncertain significance. Last evaluated: 2024-03-19. Review status: criteria provided, single submitter. Criteria: GeneDx Variant Classification Process June 2021. Collection method: clinical testing. Allele origin: germline. Affected: yes.
Comment: Has not been previously published as pathogenic or benign to our knowledge; In silico analysis supports that this missense variant does not alter protein structure/function

Women's Health and Genetics/Laboratory Corporation of America, LabCorp
Classification: Likely benign. Last evaluated: 2023-07-21. Review status: criteria provided, single submitter. Criteria: LabCorp Variant Classification Summary - May 2015. Collection method: clinical testing. Allele origin: germline.

CeGaT Center for Human Genetics Tuebingen
Classification: Uncertain significance. Last evaluated: 2021-04-01. Review status: criteria provided, single submitter. Criteria: CeGaT Center For Human Genetics Tuebingen Variant Classification Criteria Version 2. Collection method: clinical testing. Allele origin: germline. Affected: yes. Observed: 1 variant allele.

Eurofins Ntd Llc (ga)
Classification: Uncertain significance. Last evaluated: 2015-11-24. Review status: criteria provided, single submitter. Criteria: EGL Classification Definitions 2015. Collection method: clinical testing. Allele origin: germline. Observed: 2 variant alleles, 2 heterozygotes.

NM_053025.4(MYLK):c.2629G>A (p.Val877Met)

Gene: MYLK (myosin light chain kinase; minus strand). Cytogenetic location: 3q21.1.
Variant type: single nucleotide variant.
Coding change: c.2629G>A on transcript NM_053025.4 (MANE Select); coding-DNA position 2629, G replaced by A.
Protein change: p.Val877Met; replaces valine 877 with methionine.
Molecular consequence: missense variant.
Genome position (GRCh38, 1-based): chr3:123,700,839, C>T on the plus strand (G>A on the coding strand, the complement: MYLK is on the minus strand). VCF-style: chr3-123700839-C-T. GRCh37 (hg19) VCF-style: chr3-123419686-C-T.
Other names: c.2101G>A, p.Val701Met (NM_001321309.2); c.2422G>A, p.Val808Met (NM_053026.4, NM_053028.4); c.2629G>A, p.Val877Met (NM_053027.4); short protein forms V877M, V808M, V701M.
Identifiers: ClinVar variation 284753 (VCV000284753.55), dbSNP rs34542174, ClinGen allele CA068805.